The following is an entry in ClinVar:

ClinVar aggregate classification (germline): Benign/Likely benign. Review status: criteria provided, multiple submitters, no conflicts (2 of 4 stars). 3 submissions from 3 submitters: Benign (1); Likely benign (2). Last evaluated 2026-04-01.

Conditions:
Long QT syndrome (LQTS). Identifiers: MedGen C0023976, MeSH D008133, MONDO:0002442. Disease mechanism: loss of function. Inheritance: Various modes of inheritance.

Allele frequency attached by ClinVar (database versions not stated): gnomAD 0.00001 and 0.00028; TOPMed 0.00005; gnomAD exomes 0.00076; 1000 Genomes Project 30x 0.00078; ExAC 0.00094; 1000 Genomes Project 0.00100.
gnomAD v4.1: 687 of 1,614,134 alleles (0.043%); highest among the groups gnomAD compares: South Asian, 0.73%; 18 homozygotes.

Submissions (3):

CeGaT Center for Human Genetics Tuebingen
Classification: Likely benign. Last evaluated: 2026-04-01. Review status: criteria provided, single submitter. Criteria: CeGaT Center For Human Genetics Tuebingen Variant Classification Criteria Version 2. Collection method: clinical testing. Allele origin: germline. Affected: yes. Observed: 2 variant alleles.
Comment: KCNQ1OT1: BS2

Labcorp Genetics (formerly Invitae), Labcorp
Classification: Benign for Long QT syndrome. Last evaluated: 2026-01-26. Review status: criteria provided, single submitter. Criteria: Invitae Variant Classification Sherloc (09022015). Collection method: clinical testing. Allele origin: germline.

Blueprint Genetics
Classification: Likely benign. Last evaluated: 2024-07-11. Review status: criteria provided, single submitter. Criteria: ACMG Guidelines, 2015. Collection method: clinical testing. Allele origin: germline.

NM_000218.3(KCNQ1):c.1394-18C>G

Genes: KCNQ1 (potassium voltage-gated channel subfamily Q member 1; plus strand), KCNQ1OT1 (KCNQ1 opposite strand/antisense transcript 1; minus strand). Cytogenetic location: 11p15.5.
Variant type: single nucleotide variant.
Coding change: c.1394-18C>G on transcript NM_000218.3 (MANE Select); 18 bases into the intron before coding-DNA position 1394, C replaced by G.
Molecular consequence: intron variant.
Genome position (GRCh38, 1-based): chr11:2,661,943, C>G. VCF-style: chr11-2661943-C-G. GRCh37 (hg19) VCF-style: chr11-2683173-C-G.
Other names: c.1124-18C>G (NM_001406837.1); c.1298-18C>G (NM_001406836.1); c.854-18C>G (NM_001406838.1); c.1013-18C>G (NM_181798.2).
Identifiers: ClinVar variation 1588639 (VCV001588639.34), dbSNP rs543054197, ClinGen allele CA029490.